The following is an entry in ClinVar:

NM_015338.6(ASXL1):c.2775G>T (p.Gln925His)

Gene: ASXL1 (ASXL transcriptional regulator 1; plus strand). Cytogenetic location: 20q11.21.
Variant type: single nucleotide variant.
Coding change: c.2775G>T on transcript NM_015338.6 (MANE Select); coding-DNA position 2775, G replaced by T.
Protein change: p.Gln925His; replaces glutamine 925 with histidine.
Molecular consequence: missense variant.
Genome position (GRCh38, 1-based): chr20:32,435,487, G>T. VCF-style: chr20-32435487-G-T. GRCh37 (hg19) VCF-style: chr20-31023290-G-T.
Other names: c.2592G>T, p.Gln864His (NM_001363734.1); short protein forms Q864H, Q925H.
Identifiers: ClinVar variation 4865121 (VCV004865121.1).

ClinVar aggregate classification (germline): Uncertain significance (1 of 4 stars; one submission).

Conditions:
Inborn genetic diseases. Identifiers: MedGen C0950123, MeSH D030342.

Submission:

Ambry Genetics
Classification: Uncertain significance for Inborn genetic diseases. Last evaluated: 2026-06-14. Review status: criteria provided, single submitter. Criteria: Ambry Variant Classification Scheme 2023. Collection method: clinical testing. Allele origin: germline.
Comment: The p.Q925H variant (also known as c.2775G>T), located in coding exon 13 of the ASXL1 gene, results from a G to T substitution at nucleotide position 2775. The glutamine at codon 925 is replaced by histidine, an amino acid with highly similar properties. This amino acid position is conserved. In addition, this alteration is predicted to be tolerated by in silico analysis. Based on the available evidence, the clinical significance of this variant remains unclear.